The following is an entry in ClinVar:

NM_020937.4(FANCM):c.5532A>G (p.Gln1844=)

Gene: FANCM (FA complementation group M; plus strand). Cytogenetic location: 14q21.2.
Variant type: single nucleotide variant.
Coding change: c.5532A>G on transcript NM_020937.4 (MANE Select); coding-DNA position 5532, A replaced by G.
Protein change: p.Gln1844=; no amino-acid change (glutamine 1844 retained).
Molecular consequence: synonymous variant.
Genome position (GRCh38, 1-based): chr14:45,196,363, A>G. VCF-style: chr14-45196363-A-G. GRCh37 (hg19) VCF-style: chr14-45665566-A-G.
Other names: c.5454A>G, p.Gln1818= (NM_001308133.2); c.5532A>G (NM_020937.3).
Identifiers: ClinVar variation 1314206 (VCV001314206.8), dbSNP rs970724368, ClinGen allele CA259601605.

ClinVar aggregate classification (germline): Conflicting classifications of pathogenicity. Review status: criteria provided, conflicting classifications (1 of 4 stars). 4 submissions from 4 submitters: Uncertain significance (2); Likely benign (1). 1 of the submissions does not count toward it. Last evaluated 2025-07-02.

Conditions:
Fanconi anemia (FA). Also called: Fanconi's anemia. Identifiers: Orphanet 84, MedGen C0015625, MeSH D005199, MONDO:0019391.
FANCM-related disorder. Also called: FANCM-related condition.

Allele frequency attached by ClinVar (database versions not stated): gnomAD exomes 0.00001; gnomAD 0.00004.

Submissions (4):

Quest Diagnostics Nichols Institute San Juan Capistrano
Classification: Uncertain significance. Last evaluated: 2025-07-02. Review status: criteria provided, single submitter. Criteria: Quest Diagnostics criteria. Collection method: clinical testing. Allele origin: unknown.
Comment: The FANCM c.5532A>G (p.Gln1844=) synonymous variant has been reported in the published literature an individual with an unspecified form of hereditary cancer (PMID: 32235514 (2020)). The frequency of this variant in the general population (Genome Aggregation Database) is uninformative in the assessment of its pathogenicity. Analysis of this variant using software algorithms for the prediction of the effect of nucleotide changes on FANCM mRNA splicing yielded predictions that this variant may result in the gain of a cryptic splice site without affecting the natural splice sites. Based on the available information, we are unable to determine the clinical significance of this variant.

GeneDx
Classification: Uncertain significance. Last evaluated: 2024-03-13. Review status: criteria provided, single submitter. Criteria: GeneDx Variant Classification Process June 2021. Collection method: clinical testing. Allele origin: germline. Affected: yes.
Comment: Not observed at significant frequency in large population cohorts (gnomAD); Has not been previously published as pathogenic or benign to our knowledge; In silico analysis suggests this variant may impact gene splicing. In the absence of RNA/functional studies, the actual effect of this sequence change is unknown.

Labcorp Genetics (formerly Invitae), Labcorp
Classification: Likely benign for Fanconi anemia. Last evaluated: 2023-12-17. Review status: criteria provided, single submitter. Criteria: Invitae Variant Classification Sherloc (09022015). Collection method: clinical testing. Allele origin: germline.

PreventionGenetics, part of Exact Sciences
Classification: Uncertain significance for FANCM-related condition. Last evaluated: 2024-05-09. Review status: no assertion criteria provided. Collection method: clinical testing. Allele origin: germline. Not counted in ClinVar's aggregate classification.
Comment: The FANCM c.5532A>G variant is not predicted to result in an amino acid change (p.=). To our knowledge, this variant has not been reported in the literature. This variant is reported in 0.0056% of alleles in individuals of Latino descent in gnomAD and has conflicting interpretations regarding its pathogenicity in ClinVar, ranging from uncertain significance to likely benign. At this time, the clinical significance of this variant is uncertain due to the absence of conclusive functional and genetic evidence.

Literature cited by the submitters: PubMed 32235514 (cited by Quest Diagnostics Nichols Institute San Juan Capistrano).